The following is an entry in ClinVar:

NM_004562.3(PRKN):c.775A>G (p.Ile259Val)

Gene: PRKN (parkin RBR E3 ubiquitin protein ligase; minus strand). Cytogenetic location: 6q26.
Variant type: single nucleotide variant.
Coding change: c.775A>G on transcript NM_004562.3 (MANE Select); coding-DNA position 775, A replaced by G.
Protein change: p.Ile259Val; replaces isoleucine 259 with valine.
Molecular consequence: missense variant.
Genome position (GRCh38, 1-based): chr6:161,785,868, T>C on the plus strand (A>G on the coding strand, the complement: PRKN is on the minus strand). VCF-style: chr6-161785868-T-C. GRCh37 (hg19) VCF-style: chr6-162206900-T-C.
Other names: c.691A>G, p.Ile231Val (NM_013987.3); c.328A>G, p.Ile110Val (NM_013988.3); short protein forms I259V, I110V, I231V.
Identifiers: ClinVar variation 581407 (VCV000581407.8), dbSNP rs750325162, ClinGen allele CA4090228.

ClinVar aggregate classification (germline): Uncertain significance. Review status: criteria provided, multiple submitters, no conflicts (2 of 4 stars). 2 submissions from 2 submitters: Uncertain significance (2). Last evaluated 2026-10-01.

Allele frequency attached by ClinVar (database versions not stated): ExAC 0.00002; gnomAD 0.00002; gnomAD exomes 0.00002 and 0.00004; TOPMed 0.00003.
gnomAD v4.1: 58 of 1,614,010 alleles (0.0036%); highest among the groups gnomAD compares: Non-Finnish European, 0.0046%; no homozygotes.

Submissions (2):

CeGaT Center for Human Genetics Tuebingen
Classification: Uncertain significance. Last evaluated: 2026-10-01. Review status: criteria provided, single submitter. Criteria: CeGaT Center For Human Genetics Tuebingen Variant Classification Criteria Version 2. Collection method: clinical testing. Allele origin: germline. Affected: yes. Observed: 1 variant allele.
Comment: PRKN: PM2

Labcorp Genetics (formerly Invitae), Labcorp
Classification: Uncertain significance. Last evaluated: 2022-08-23. Review status: criteria provided, single submitter. Criteria: Invitae Variant Classification Sherloc (09022015). Collection method: clinical testing. Allele origin: germline.
Comment: This sequence change replaces isoleucine, which is neutral and non-polar, with valine, which is neutral and non-polar, at codon 259 of the PRKN protein (p.Ile259Val). This variant is present in population databases (rs750325162, gnomAD 0.004%). This variant has not been reported in the literature in individuals affected with PRKN-related conditions. ClinVar contains an entry for this variant (Variation ID: 581407). Algorithms developed to predict the effect of missense changes on protein structure and function (SIFT, PolyPhen-2, Align-GVGD) all suggest that this variant is likely to be tolerated. In summary, the available evidence is currently insufficient to determine the role of this variant in disease. Therefore, it has been classified as a Variant of Uncertain Significance.